The following is an entry in ClinVar:

NM_001308093.3(GATA4):c.367G>C (p.Ala123Pro)

Gene: GATA4 (GATA binding protein 4). Cytogenetic location: 8p23.1.
Variant type: single nucleotide variant.
Coding change: c.367G>C on transcript NM_001308093.3 (MANE Select); coding-DNA position 367, G replaced by C.
Protein change: p.Ala123Pro; replaces alanine 123 with proline.
Molecular consequence: missense variant. On other transcripts: intron variant (3).
Genome position (GRCh38, 1-based): chr8:11,708,679, G>C. VCF-style: chr8-11708679-G-C. GRCh37 (hg19) VCF-style: chr8-11566188-G-C.
Other names: c.367G>C, p.Ala123Pro (NM_002052.5); c.-6+7901G>C (NM_001308094.2); c.-3+665G>C (NM_001374274.1); c.-3+4375G>C (NM_001374273.1); short protein forms A123P.
Identifiers: ClinVar variation 2752494 (VCV002752494.3), dbSNP rs2486780824, ClinGen allele CA370309475.

ClinVar aggregate classification (germline): Uncertain significance (1 of 4 stars; one submission).

Conditions:
Atrioventricular septal defect 4 (AVSD4). Identifiers: MedGen C3280781, MONDO:0013747, OMIM 614430.

Submission:

Labcorp Genetics (formerly Invitae), Labcorp
Classification: Uncertain significance for Atrioventricular septal defect 4. Last evaluated: 2023-08-14. Review status: criteria provided, single submitter. Criteria: Invitae Variant Classification Sherloc (09022015). Collection method: clinical testing. Allele origin: germline.
Comment: This sequence change replaces alanine, which is neutral and non-polar, with proline, which is neutral and non-polar, at codon 123 of the GATA4 protein (p.Ala123Pro). This variant is not present in population databases (gnomAD no frequency). This variant has not been reported in the literature in individuals affected with GATA4-related conditions. Advanced modeling of protein sequence and biophysical properties (such as structural, functional, and spatial information, amino acid conservation, physicochemical variation, residue mobility, and thermodynamic stability) performed at Invitae indicates that this missense variant is not expected to disrupt GATA4 protein function. In summary, the available evidence is currently insufficient to determine the role of this variant in disease. Therefore, it has been classified as a Variant of Uncertain Significance.